The following is an entry in ClinVar:

NM_001134363.3(RBM20):c.1275+1G>T

Gene: RBM20 (RNA binding motif protein 20; plus strand). Cytogenetic location: 10q25.2.
Variant type: single nucleotide variant.
Coding change: c.1275+1G>T on transcript NM_001134363.3 (MANE Select); the canonical splice donor site of the intron after coding-DNA position 1275, G replaced by T.
Molecular consequence: splice donor variant.
Genome position (GRCh38, 1-based): chr10:110,781,885, G>T. VCF-style: chr10-110781885-G-T. GRCh37 (hg19) VCF-style: chr10-112541643-G-T.
Identifiers: ClinVar variation 4805282 (VCV004805282.1).

ClinVar aggregate classification (germline): Likely pathogenic (1 of 4 stars; one submission).

Conditions:
Dilated cardiomyopathy 1DD (CMD1DD). Identifiers: Orphanet 154, MedGen C2750995, MONDO:0013168, OMIM 613172.

Submission:

Labcorp Genetics (formerly Invitae), Labcorp
Classification: Likely pathogenic for Dilated cardiomyopathy 1DD. Last evaluated: 2025-11-21. Review status: criteria provided, single submitter. Criteria: Invitae Variant Classification Sherloc (09022015). Collection method: clinical testing. Allele origin: germline.
Comment: This sequence change affects a donor splice site in intron 2 of the RBM20 gene. It is expected to disrupt RNA splicing. Variants that disrupt the donor or acceptor splice site typically lead to a loss of protein function (PMID: 16199547), and loss-of-function variants in RBM20 are known to be pathogenic (PMID: 20590677, 22004663, 38288598, 38510713, 40339755). This variant is not present in population databases (gnomAD no frequency). This variant has not been reported in the literature in individuals affected with RBM20-related conditions. Algorithms developed to predict the effect of sequence changes on RNA splicing suggest that this variant may disrupt the consensus splice site. In summary, the currently available evidence indicates that the variant is pathogenic, but additional data are needed to prove that conclusively. Therefore, this variant has been classified as Likely Pathogenic.

Literature cited by the submitters: PubMed 16199547; PubMed 20590677; PubMed 22004663; PubMed 38288598; PubMed 38510713; PubMed 40339755.